The following is an entry in ClinVar:

ClinVar aggregate classification (germline): Pathogenic (1 of 4 stars; one submission).

Conditions:
Muscular dystrophy-dystroglycanopathy (congenital with brain and eye anomalies), type A13. Also called: WALKER-WARBURG SYNDROME OR MUSCLE-EYE-BRAIN DISEASE, B3GNT1-RELATED; Muscular dystrophy-dystroglycanopathy (congenital with brain and eye anomalies), type a, 13. Identifiers: Orphanet 899, MedGen C3809042, MONDO:0014120, OMIM 615287.

Submission:

MGZ Medical Genetics Center
Classification: Pathogenic for Muscular dystrophy-dystroglycanopathy (congenital with brain and eye anomalies), type A13. Last evaluated: 2021-07-05. Review status: criteria provided, single submitter. Criteria: ACMG Guidelines, 2015. Collection method: clinical testing. Allele origin: germline. Affected: yes. Observed: 1 variant allele.
Comment: ACMG criteria applied: PVS1, PM3, PM2_SUP

NM_006876.3(B4GAT1):c.864T>A (p.Tyr288Ter)

Gene: B4GAT1 (beta-1,4-glucuronyltransferase 1; minus strand). Cytogenetic location: 11q13.2.
Variant type: single nucleotide variant.
Coding change: c.864T>A on transcript NM_006876.3 (MANE Select); coding-DNA position 864, T replaced by A.
Protein change: p.Tyr288Ter; replaces tyrosine 288 with a stop codon.
Molecular consequence: nonsense.
Genome position (GRCh38, 1-based): chr11:66,346,682, A>T on the plus strand (T>A on the coding strand, the complement: B4GAT1 is on the minus strand). VCF-style: chr11-66346682-A-T. GRCh37 (hg19) VCF-style: chr11-66114153-A-T.
Other names: short protein forms Y288*.
Identifiers: ClinVar variation 1709842 (VCV001709842.2), dbSNP rs2495384629, ClinGen allele CA381417485.